The following is an entry in ClinVar:

ClinVar aggregate classification (germline): Uncertain significance (1 of 4 stars; one submission).

Allele frequency attached by ClinVar (database versions not stated): TOPMed 0.00001.

Submission:

Labcorp Genetics (formerly Invitae), Labcorp
Classification: Uncertain significance. Last evaluated: 2022-08-09. Review status: criteria provided, single submitter. Criteria: Invitae Variant Classification Sherloc (09022015). Collection method: clinical testing. Allele origin: germline.
Comment: This sequence change replaces aspartic acid, which is acidic and polar, with asparagine, which is neutral and polar, at codon 1396 of the MPDZ protein (p.Asp1396Asn). This variant is not present in population databases (gnomAD no frequency). This variant has not been reported in the literature in individuals affected with MPDZ-related conditions. Algorithms developed to predict the effect of missense changes on protein structure and function are either unavailable or do not agree on the potential impact of this missense change (SIFT: "Deleterious"; PolyPhen-2: "Probably Damaging"; Align-GVGD: "Class C15"). In summary, the available evidence is currently insufficient to determine the role of this variant in disease. Therefore, it has been classified as a Variant of Uncertain Significance.

NM_001378778.1(MPDZ):c.4186G>A (p.Asp1396Asn)

Gene: MPDZ (multiple PDZ domain crumbs cell polarity complex component; minus strand). Cytogenetic location: 9p23.
Variant type: single nucleotide variant.
Coding change: c.4186G>A on transcript NM_001378778.1 (MANE Select); coding-DNA position 4186, G replaced by A.
Protein change: p.Asp1396Asn; replaces aspartic acid 1396 with asparagine.
Molecular consequence: missense variant.
Genome position (GRCh38, 1-based): chr9:13,137,971, C>T on the plus strand (G>A on the coding strand, the complement: MPDZ is on the minus strand). VCF-style: chr9-13137971-C-T. GRCh37 (hg19) VCF-style: chr9-13137970-C-T.
Other names: c.4087G>A, p.Asp1363Asn (NM_001261406.2, NM_001261407.2, NM_001375416.1 and 3 more transcripts); c.4186G>A, p.Asp1396Asn (NM_001330637.2, NM_001375413.1, NM_003829.5); c.3976G>A, p.Asp1326Asn (NM_001375420.1, NM_001375421.1, NM_001375422.1 and 4 more transcripts); c.3778G>A, p.Asp1260Asn (NM_001375427.1); short protein forms D1260N, D1326N, D1363N, D1396N.
Identifiers: ClinVar variation 1715956 (VCV001715956.3), dbSNP rs1310564571, ClinGen allele CA372949064.